The following is an entry in ClinVar:

NM_024652.6(LRRK1):c.2892G>A (p.Thr964=)

Gene: LRRK1 (leucine rich repeat kinase 1; plus strand). Cytogenetic location: 15q26.3.
Variant type: single nucleotide variant.
Coding change: c.2892G>A on transcript NM_024652.6 (MANE Select); coding-DNA position 2892, G replaced by A.
Protein change: p.Thr964=; no amino-acid change (threonine 964 retained).
Molecular consequence: synonymous variant.
Genome position (GRCh38, 1-based): chr15:101,029,161, G>A. VCF-style: chr15-101029161-G-A. GRCh37 (hg19) VCF-style: chr15-101569366-G-A.
Other names: c.2892G>A (NM_024652.5).
Identifiers: ClinVar variation 714675 (VCV000714675.12), dbSNP rs61733311, ClinGen allele CA7761368.

ClinVar aggregate classification (germline): Benign. Review status: criteria provided, multiple submitters, no conflicts (2 of 4 stars). 3 submissions from 3 submitters: Benign (2). 1 of the submissions does not count toward it. Last evaluated 2026-01-19.

Conditions:
LRRK1-related disorder. Also called: LRRK1-related condition.

Allele frequency attached by ClinVar (database versions not stated): 1000 Genomes Project 30x 0.00921; TOPMed 0.00948; gnomAD 0.00995 and 0.00917; gnomAD exomes 0.00215; ExAC 0.00258; ESP Exome Variant Server 0.00867; 1000 Genomes Project 0.00899.
gnomAD v4.1: 2,724 of 1,614,146 alleles (0.17%); highest among the groups gnomAD compares: African/African-American, 3.3%; 52 homozygotes.

Submissions (3):

Labcorp Genetics (formerly Invitae), Labcorp
Classification: Benign. Last evaluated: 2026-01-19. Review status: criteria provided, single submitter. Criteria: Invitae Variant Classification Sherloc (09022015). Collection method: clinical testing. Allele origin: germline.

Breakthrough Genomics
Classification: Benign. Review status: criteria provided, single submitter. Criteria: ACMG Guidelines, 2015. Collection method: not provided. Allele origin: germline. Inheritance: Autosomal recessive inheritance. Affected: yes.

PreventionGenetics, part of Exact Sciences
Classification: Benign for LRRK1-related condition. Last evaluated: 2019-02-18. Review status: no assertion criteria provided. Collection method: clinical testing. Allele origin: germline. Not counted in ClinVar's aggregate classification.
Comment: This variant is classified as benign based on ACMG/AMP sequence variant interpretation guidelines (Richards et al. 2015 PMID: 25741868, with internal and published modifications).